The following is an entry in ClinVar:

NM_000334.4(SCN4A):c.3913-2A>G

Genes: GH-LCR (growth hormone locus control region; plus strand), SCN4A (sodium voltage-gated channel alpha subunit 4; minus strand). Cytogenetic location: 17q23.3.
Variant type: single nucleotide variant.
Coding change: c.3913-2A>G on transcript NM_000334.4 (MANE Select); the canonical splice acceptor site of the intron before coding-DNA position 3913, A replaced by G.
Molecular consequence: splice acceptor variant.
Genome position (GRCh38, 1-based): chr17:63,943,852, T>C on the plus strand (A>G on the coding strand, the complement: SCN4A is on the minus strand). VCF-style: chr17-63943852-T-C. GRCh37 (hg19) VCF-style: chr17-62021212-T-C.
Identifiers: ClinVar variation 4722064 (VCV004722064.1).

ClinVar aggregate classification (germline): Likely pathogenic (1 of 4 stars; one submission).

Conditions:
Hyperkalemic periodic paralysis. Also called: Familial hyperkalemic periodic paralysis; Gamstorp disease. Identifiers: Orphanet 682, MedGen C0238357, MONDO:0008224, OMIM 170500, HP:0007215.

Submission:

Labcorp Genetics (formerly Invitae), Labcorp
Classification: Likely pathogenic for Hyperkalemic periodic paralysis. Last evaluated: 2025-12-21. Review status: criteria provided, single submitter. Criteria: Invitae Variant Classification Sherloc (09022015). Collection method: clinical testing. Allele origin: germline.
Comment: This sequence change affects an acceptor splice site in intron 21 of the SCN4A gene. It is expected to disrupt RNA splicing. Variants that disrupt the donor or acceptor splice site typically lead to a loss of protein function (PMID: 16199547), and loss-of-function variants in SCN4A are known to be pathogenic (PMID: 26700687). This variant is not present in population databases (gnomAD no frequency). This variant has not been reported in the literature in individuals affected with SCN4A-related conditions. Algorithms developed to predict the effect of sequence changes on RNA splicing suggest that this variant may disrupt the consensus splice site. In summary, the currently available evidence indicates that the variant is pathogenic, but additional data are needed to prove that conclusively. Therefore, this variant has been classified as Likely Pathogenic.

Literature cited by the submitters: PubMed 16199547; PubMed 26700687.